The following is an entry in ClinVar:

ClinVar aggregate classification (germline): Conflicting classifications of pathogenicity. Review status: criteria provided, conflicting classifications (1 of 4 stars). 4 submissions from 4 submitters: Uncertain significance (2); Likely benign (2). Last evaluated 2026-02-14.

Conditions:
Achromatopsia 2 (ACHM2). Also called: ROD MONOCHROMACY 2; ROD MONOCHROMATISM 2; COLORBLINDNESS, TOTAL. Identifiers: Orphanet 49382, MedGen C1857618, MONDO:0009003, OMIM 216900.
CNGA3-related disorder. Also called: CNGA3-related condition.

Allele frequency attached by ClinVar (database versions not stated): gnomAD 0.00001 and 0.00003; TOPMed 0.00002; ExAC 0.00009; gnomAD exomes 0.00009; 1000 Genomes Project 30x 0.00016; 1000 Genomes Project 0.00020.
gnomAD v4.1: 143 of 1,614,176 alleles (0.0089%); highest among the groups gnomAD compares: East Asian, 0.31%; no homozygotes.

Submissions (4):

PreventionGenetics, part of Exact Sciences
Classification: Uncertain significance for CNGA3-related condition. Last evaluated: 2026-02-14. Review status: criteria provided, single submitter. Criteria: ACMG Guidelines, 2015. Collection method: clinical testing. Allele origin: germline.
Comment: The CNGA3 c.225C>T variant is not predicted to result in an amino acid change (p.=). To our knowledge, this variant has not been reported in the literature in association with disease. This variant is reported in 0.12% of alleles in individuals of East Asian descent in gnomAD, which may be too frequent to be a primary cause of disease. Although we suspect that this variant may be benign, at this time, the clinical significance of this variant is uncertain due to the absence of conclusive functional and genetic evidence.

Blueprint Genetics
Classification: Likely benign. Last evaluated: 2022-08-31. Review status: criteria provided, single submitter. Criteria: ACMG Guidelines, 2015. Collection method: clinical testing. Allele origin: germline.

Labcorp Genetics (formerly Invitae), Labcorp
Classification: Likely benign. Last evaluated: 2022-07-19. Review status: criteria provided, single submitter. Criteria: Invitae Variant Classification Sherloc (09022015). Collection method: clinical testing. Allele origin: germline.

Illumina Laboratory Services, Illumina
Classification: Uncertain significance for Achromatopsia 2. Last evaluated: 2018-01-13. Review status: criteria provided, single submitter. Criteria: ICSL Variant Classification Criteria 13 December 2019. Collection method: clinical testing. Allele origin: germline.

NM_001298.3(CNGA3):c.225C>T (p.Arg75=)

Gene: CNGA3 (cyclic nucleotide gated channel subunit alpha 3; plus strand). Cytogenetic location: 2q11.2.
Variant type: single nucleotide variant.
Coding change: c.225C>T on transcript NM_001298.3 (MANE Select); coding-DNA position 225, C replaced by T.
Protein change: p.Arg75=; no amino-acid change (arginine 75 retained).
Molecular consequence: synonymous variant.
Genome position (GRCh38, 1-based): chr2:98,380,184, C>T. VCF-style: chr2-98380184-C-T. GRCh37 (hg19) VCF-style: chr2-98996647-C-T.
Other names: c.225C>T, p.Arg75= (NM_001079878.2).
Identifiers: ClinVar variation 337654 (VCV000337654.17), dbSNP rs200404774, ClinGen allele CA1793668.